The following is an entry in ClinVar:

ClinVar aggregate classification (germline): Benign (0 of 4 stars; one submission).

Conditions:
CBLB-related disorder. Also called: CBLB-related condition.

Allele frequency attached by ClinVar (database versions not stated): 1000 Genomes Project 30x 0.00687; 1000 Genomes Project 0.00699; TOPMed 0.01418; ExAC 0.01443; ESP Exome Variant Server 0.01484; gnomAD 0.01488; gnomAD exomes 0.01839.
gnomAD v4.1: 29,078 of 1,610,656 alleles (1.8%); highest among the groups gnomAD compares: Middle Eastern, 2.5%; 308 homozygotes.

Submission:

PreventionGenetics, part of Exact Sciences
Classification: Benign for CBLB-related condition. Last evaluated: 2019-03-01. Review status: no assertion criteria provided. Collection method: clinical testing. Allele origin: germline.
Comment: This variant is classified as benign based on ACMG/AMP sequence variant interpretation guidelines (Richards et al. 2015 PMID: 25741868, with internal and published modifications).

NM_170662.5(CBLB):c.840C>T (p.Pro280=)

Gene: CBLB (Cbl proto-oncogene B; minus strand). Cytogenetic location: 3q13.11.
Variant type: single nucleotide variant.
Coding change: c.840C>T on transcript NM_170662.5 (MANE Select); coding-DNA position 840, C replaced by T.
Protein change: p.Pro280=; no amino-acid change (proline 280 retained).
Molecular consequence: synonymous variant. On other transcripts: 5 prime UTR variant (2), non-coding transcript variant (7).
Genome position (GRCh38, 1-based): chr3:105,745,922, G>A on the plus strand (C>T on the coding strand, the complement: CBLB is on the minus strand). VCF-style: chr3-105745922-G-A. GRCh37 (hg19) VCF-style: chr3-105464766-G-A.
Other names: c.924C>T, p.Pro308= (NM_001321786.1, NM_001321789.1); c.840C>T, p.Pro280= (NM_001321788.2, NM_001321791.2, NM_001321793.2 and 4 more transcripts); c.906C>T, p.Pro302= (NM_001321790.2); c.693C>T, p.Pro231= (NM_001321796.2, NM_001321799.2); c.60C>T, p.Pro20= (NM_001321806.2, NM_001321807.2, NM_001321808.2 and 3 more transcripts); c.-513C>T (NM_001321820.2); c.-540C>T (NM_001321822.2).
Identifiers: ClinVar variation 3059767 (VCV003059767.2), dbSNP rs9657906, ClinGen allele CA2524922.